The following is an entry in ClinVar:

ClinVar aggregate classification (germline): Uncertain significance (1 of 4 stars; one submission).

Conditions:
PLXNA2-related disorder. Also called: PLXNA2-related condition.

gnomAD v4.1: 21 of 1,612,664 alleles (0.0013%); highest among the groups gnomAD compares: Middle Eastern, 0.016%; no homozygotes.

Submission:

PreventionGenetics, part of Exact Sciences
Classification: Uncertain significance for PLXNA2-related condition. Last evaluated: 2026-09-11. Review status: criteria provided, single submitter. Criteria: ACMG Guidelines, 2015. Collection method: clinical testing. Allele origin: germline.
Comment: The PLXNA2 c.47G>T variant is predicted to result in the amino acid substitution p.Arg16Leu. To our knowledge, this variant has not been reported in the literature. This variant is reported in 0.0045% of alleles in individuals of European (Non-Finnish) descent in gnomAD. At this time, the clinical significance of this variant is uncertain due to the absence of conclusive functional and genetic evidence.

NM_025179.4(PLXNA2):c.47G>T (p.Arg16Leu)

Gene: PLXNA2 (plexin A2; minus strand). Cytogenetic location: 1q32.2.
Variant type: single nucleotide variant.
Coding change: c.47G>T on transcript NM_025179.4 (MANE Select); coding-DNA position 47, G replaced by T.
Protein change: p.Arg16Leu; replaces arginine 16 with leucine.
Molecular consequence: missense variant.
Genome position (GRCh38, 1-based): chr1:208,217,876, C>A on the plus strand (G>T on the coding strand, the complement: PLXNA2 is on the minus strand). VCF-style: chr1-208217876-C-A. GRCh37 (hg19) VCF-style: chr1-208391221-C-A.
Other names: short protein forms R16L.
Identifiers: ClinVar variation 4978870 (VCV004978870.1).